The following is an entry in ClinVar:

ClinVar aggregate classification (germline): Uncertain significance (1 of 4 stars; one submission).

Submission:

Women's Health and Genetics/Laboratory Corporation of America, LabCorp
Classification: Uncertain significance. Last evaluated: 2024-03-06. Review status: criteria provided, single submitter. Criteria: LabCorp Variant Classification Summary - May 2015. Collection method: clinical testing. Allele origin: germline.
Comment: Variant summary: PTPN4 c.252G>T (p.Trp84Cys) results in a non-conservative amino acid change located in the FERM domain (IPR000299) of the encoded protein sequence. Five of five in-silico tools predict a damaging effect of the variant on protein function. The variant was absent in 248358 control chromosomes. The available data on variant occurrences in the general population are insufficient to allow any conclusion about variant significance. To our knowledge, no occurrence of c.252G>T in individuals affected with PTPN4-Related Disorders and no experimental evidence demonstrating its impact on protein function have been reported. No submitters have cited clinical-significance assessments for this variant to ClinVar. Based on the evidence outlined above, the variant was classified as uncertain significance.

NM_002830.4(PTPN4):c.252G>T (p.Trp84Cys)

Gene: PTPN4 (protein tyrosine phosphatase non-receptor type 4; plus strand). Cytogenetic location: 2q14.2.
Variant type: single nucleotide variant.
Coding change: c.252G>T on transcript NM_002830.4 (MANE Select); coding-DNA position 252, G replaced by T.
Protein change: p.Trp84Cys; replaces tryptophan 84 with cysteine.
Molecular consequence: missense variant.
Genome position (GRCh38, 1-based): chr2:119,877,328, G>T. VCF-style: chr2-119877328-G-T. GRCh37 (hg19) VCF-style: chr2-120634904-G-T.
Other names: short protein forms W84C.
Identifiers: ClinVar variation 3233620 (VCV003233620.2), dbSNP rs2466986294, ClinGen allele CA348186867.